The following is an entry in ClinVar:

NM_024580.6(EFL1):c.2027A>G (p.Glu676Gly)

Gene: EFL1 (elongation factor like GTPase 1; minus strand). Cytogenetic location: 15q25.2.
Variant type: single nucleotide variant.
Coding change: c.2027A>G on transcript NM_024580.6 (MANE Select); coding-DNA position 2027, A replaced by G.
Protein change: p.Glu676Gly; replaces glutamic acid 676 with glycine.
Molecular consequence: missense variant. On other transcripts: non-coding transcript variant (1).
Genome position (GRCh38, 1-based): chr15:82,157,716, T>C on the plus strand (A>G on the coding strand, the complement: EFL1 is on the minus strand). VCF-style: chr15-82157716-T-C. GRCh37 (hg19) VCF-style: chr15-82450057-T-C.
Other names: c.1874A>G, p.Glu625Gly (NM_001040610.3); c.1238A>G, p.Glu413Gly (NM_001322844.2); c.2027A>G, p.Glu676Gly (NM_001322845.2); short protein forms E676G, E413G, E625G.
Identifiers: ClinVar variation 1480772 (VCV001480772.4), dbSNP rs2141235498, ClinGen allele CA393273384.

ClinVar aggregate classification (germline): Uncertain significance (1 of 4 stars; one submission).

Submission:

Labcorp Genetics (formerly Invitae), Labcorp
Classification: Uncertain significance. Last evaluated: 2025-09-02. Review status: criteria provided, single submitter. Criteria: Invitae Variant Classification Sherloc (09022015). Collection method: clinical testing. Allele origin: germline.
Comment: This sequence change replaces glutamic acid, which is acidic and polar, with glycine, which is neutral and non-polar, at codon 676 of the EFL1 protein (p.Glu676Gly). This variant is not present in population databases (gnomAD no frequency). This variant has not been reported in the literature in individuals affected with EFL1-related conditions. ClinVar contains an entry for this variant (Variation ID: 1480772). Invitae Evidence Modeling of protein sequence and biophysical properties (such as structural, functional, and spatial information, amino acid conservation, physicochemical variation, residue mobility, and thermodynamic stability) has been performed for this missense variant. However, the output from this modeling did not meet the statistical confidence thresholds required to predict the impact of this variant on EFL1 protein function. Algorithms developed to predict the effect of sequence changes on RNA splicing suggest that this variant may disrupt the consensus splice site. In summary, the available evidence is currently insufficient to determine the role of this variant in disease. Therefore, it has been classified as a Variant of Uncertain Significance.